The following is an entry in ClinVar:

ClinVar aggregate classification (germline): Uncertain significance. Review status: criteria provided, multiple submitters, no conflicts (2 of 4 stars). 3 submissions from 3 submitters: Uncertain significance (3). Last evaluated 2026-07-01.

Conditions:
Glycogen storage disease, type II (IOPD). Also called: CARDIOMEGALIA GLYCOGENICA DIFFUSA; GLYCOGENOSIS, GENERALIZED, CARDIAC FORM; GSD II; POMPE DISEASE, INFANTILE-ONSET; GLYCOGEN STORAGE DISEASE II, INFANTILE-ONSET; ACID ALPHA-GLUCOSIDASE DEFICIENCY, INFANTILE-ONSET. Identifiers: Orphanet 365, MedGen C0017921, MONDO:0009290, OMIM 232300.

Allele frequency attached by ClinVar (database versions not stated): gnomAD 0.00001; TOPMed 0.00001.
gnomAD v4.1: 1 of 1,612,322 alleles (0.000062%); highest among the groups gnomAD compares: African/African-American, 0.0013%; no homozygotes.

Submissions (3):

Genomenon, Inc
Classification: Uncertain significance for Glycogen storage disease, type II. Last evaluated: 2026-07-01. Review status: criteria provided, single submitter. Criteria: Genomenon Sequence Variant Interpretation Standards - Updated. Collection method: curation. Allele origin: germline. Affected: yes.
Comment: GAA p.Thr158Ala (c.472A>G) is a missense variant that changes the amino acid at codon 158 from Threonine to Alanine. This variant has been observed in at least one proband with a GAA-related disorder (PMID:33977031). It is absent or not present at a significant frequency in gnomAD. In silico models predict that this variant is not damaging. In conclusion, we classify GAA p.Thr158Ala (c.472A>G) as a variant of uncertain significance.

Labcorp Genetics (formerly Invitae), Labcorp
Classification: Uncertain significance for Glycogen storage disease, type II. Last evaluated: 2021-12-24. Review status: criteria provided, single submitter. Criteria: Invitae Variant Classification Sherloc (09022015). Collection method: clinical testing. Allele origin: germline.
Comment: This sequence change replaces threonine, which is neutral and polar, with alanine, which is neutral and non-polar, at codon 158 of the GAA protein (p.Thr158Ala). This variant is not present in population databases (gnomAD no frequency). This variant has not been reported in the literature in individuals affected with GAA-related conditions. ClinVar contains an entry for this variant (Variation ID: 1310552). Advanced modeling of protein sequence and biophysical properties (such as structural, functional, and spatial information, amino acid conservation, physicochemical variation, residue mobility, and thermodynamic stability) performed at Invitae indicates that this missense variant is not expected to disrupt GAA protein function. In summary, the available evidence is currently insufficient to determine the role of this variant in disease. Therefore, it has been classified as a Variant of Uncertain Significance.

GeneDx
Classification: Uncertain significance. Last evaluated: 2019-11-27. Review status: criteria provided, single submitter. Criteria: GeneDx Variant Classification Process June 2021. Collection method: clinical testing. Allele origin: germline. Affected: yes.
Comment: Has not been previously published as pathogenic or benign to our knowledge; Not observed in large population cohorts (Lek et al., 2016); In silico analysis, which includes protein predictors and evolutionary conservation, supports that this variant does not alter protein structure/function

Literature cited by the submitters: PubMed 33977031 (cited by Genomenon, Inc).

NM_000152.5(GAA):c.472A>G (p.Thr158Ala)

Gene: GAA (alpha glucosidase; plus strand). Cytogenetic location: 17q25.3.
Variant type: single nucleotide variant.
Coding change: c.472A>G on transcript NM_000152.5 (MANE Select); coding-DNA position 472, A replaced by G.
Protein change: p.Thr158Ala; replaces threonine 158 with alanine.
Molecular consequence: missense variant.
Genome position (GRCh38, 1-based): chr17:80,105,058, A>G. VCF-style: chr17-80105058-A-G. GRCh37 (hg19) VCF-style: chr17-78078857-A-G.
Other names: c.472A>G, p.Thr158Ala (NM_001079803.3, NM_001079804.3); short protein forms T158A.
Identifiers: ClinVar variation 1310552 (VCV001310552.7), dbSNP rs1598570556, ClinGen allele CA401361595.